The following is an entry in ClinVar:

NM_182914.3(SYNE2):c.10760C>T (p.Ser3587Phe)

Gene: SYNE2 (spectrin repeat containing nuclear envelope protein 2; plus strand). Cytogenetic location: 14q23.2.
Variant type: single nucleotide variant.
Coding change: c.10760C>T on transcript NM_182914.3 (MANE Select); coding-DNA position 10760, C replaced by T.
Protein change: p.Ser3587Phe; replaces serine 3587 with phenylalanine.
Molecular consequence: missense variant.
Genome position (GRCh38, 1-based): chr14:64,074,030, C>T. VCF-style: chr14-64074030-C-T. GRCh37 (hg19) VCF-style: chr14-64540748-C-T.
Other names: c.10760C>T, p.Ser3587Phe (NM_015180.6); short protein forms S3587F.
Identifiers: ClinVar variation 448621 (VCV000448621.14), dbSNP rs748430621, ClinGen allele CA7221607.

ClinVar aggregate classification (germline): Conflicting classifications of pathogenicity. Review status: criteria provided, conflicting classifications (1 of 4 stars). 3 submissions from 3 submitters: Uncertain significance (1); Likely benign (1). 1 of the submissions does not count toward it. Last evaluated 2025-11-16.

Conditions:
SYNE2-related disorder. Also called: SYNE2-related condition.
Emery-Dreifuss muscular dystrophy 5, autosomal dominant (EDMD5). Also called: EMERY-DREIFUSS MUSCULAR DYSTROPHY 5. Identifiers: Orphanet 261, MedGen C2751805, MONDO:0013072, OMIM 612999.

Allele frequency attached by ClinVar (database versions not stated): gnomAD 0.00008 and 0.00009; TOPMed 0.00011; ExAC 0.00013.
gnomAD v4.1: 123 of 1,614,054 alleles (0.0076%); highest among the groups gnomAD compares: Admixed American, 0.12%; no homozygotes.

Submissions (3):

Labcorp Genetics (formerly Invitae), Labcorp
Classification: Likely benign for Emery-Dreifuss muscular dystrophy 5, autosomal dominant. Last evaluated: 2025-11-16. Review status: criteria provided, single submitter. Criteria: Invitae Variant Classification Sherloc (09022015). Collection method: clinical testing. Allele origin: germline.

Athena Diagnostics
Classification: Uncertain significance. Last evaluated: 2017-02-09. Review status: criteria provided, single submitter. Criteria: Athena Diagnostics Criteria. Collection method: clinical testing. Allele origin: germline.

PreventionGenetics, part of Exact Sciences
Classification: Likely benign for SYNE2-related condition. Last evaluated: 2022-04-21. Review status: no assertion criteria provided. Collection method: clinical testing. Allele origin: germline. Not counted in ClinVar's aggregate classification.
Comment: This variant is classified as likely benign based on ACMG/AMP sequence variant interpretation guidelines (Richards et al. 2015 PMID: 25741868, with internal and published modifications).